The following is an entry in ClinVar:

ClinVar aggregate classification (germline): Pathogenic/Likely pathogenic. Review status: criteria provided, multiple submitters, no conflicts (2 of 4 stars). 2 submissions from 2 submitters: Pathogenic (1); Likely pathogenic (1). Last evaluated 2024-04-22.

Conditions:
Hereditary cancer-predisposing syndrome. Also called: Neoplastic Syndromes, Hereditary; Hereditary neoplastic syndrome; Tumor predisposition; Hereditary Cancer Syndrome. Identifiers: Orphanet 140162, MedGen C0027672, MeSH D009386, MONDO:0015356.
Cardiovascular phenotype. Identifiers: MedGen CN230736.
Neurofibromatosis, type 1 (NF1). Also called: VON RECKLINGHAUSEN DISEASE; Peripheral type neurofibromatosis; NEUROFIBROMATOSIS, TYPE I, SOMATIC; Neurofibromatosis, type I. Identifiers: Orphanet 636, MedGen C0027831, MONDO:0018975, OMIM 162200. Disease mechanism: loss of function.

Allele frequency attached by ClinVar (database versions not stated): gnomAD exomes below 0.00001; gnomAD 0.00001.
gnomAD v4.1: 2 of 1,613,412 alleles (0.00012%); highest among the groups gnomAD compares: Non-Finnish European, 0.00017%; no homozygotes.

Submissions (2):

Labcorp Genetics (formerly Invitae), Labcorp
Classification: Pathogenic for Neurofibromatosis, type 1. Last evaluated: 2024-04-22. Review status: criteria provided, single submitter. Criteria: Invitae Variant Classification Sherloc (09022015). Collection method: clinical testing. Allele origin: germline.
Comment: This sequence change affects an acceptor splice site in intron 11 of the NF1 gene. RNA analysis indicates that disruption of this splice site induces altered splicing and likely results in the loss of 8 amino acid residue(s), but is expected to preserve the integrity of the reading-frame. This variant is not present in population databases (gnomAD no frequency). Disruption of this splice site has been observed in individual(s) with neurofibromatosis type 1 (PMID: 18041031, 24232412, 29618358, 30530636; Invitae). ClinVar contains an entry for this variant (Variation ID: 1073144). Studies have shown that disruption of this splice site results in the activation of a cryptic splice site in exon 12 (Invitae). For these reasons, this variant has been classified as Pathogenic.

Ambry Genetics
Classification: Likely pathogenic for Cardiovascular phenotype; Hereditary cancer-predisposing syndrome. Last evaluated: 2021-08-03. Review status: criteria provided, single submitter. Criteria: Ambry Variant Classification Scheme 2023. Collection method: clinical testing. Allele origin: germline.
Comment: The c.1261-1G>A intronic variant results from a G to A substitution one nucleotide upstream from coding exon 12 of the NF1 gene. This nucleotide position is highly conserved in available vertebrate species. In silico splice site analysis predicts that this alteration will weaken the native splice acceptor site and will result in the creation or strengthening of a novel splice acceptor site. RNA studies have demonstrated that this alteration results in abnormal splicing in the set of samples tested (Ambry internal data). Other alterations impacting the same acceptor site (c.1261-1G>T, c.1261-2A>C, and c.1261-2A>G) have been shown to have a similar impact on splicing in an individual with a clinical diagnosis or suspicion of neurofibromatosis type 1 (Ars E et al. J Med Genet, 2003 Jun;40:e82; Brinckmann A et al. Electrophoresis, 2007 Dec;28:4295-301; Pros E et al. Hum Mutat, 2008 Sep;29:E173-93). This variant is considered to be rare based on population cohorts in the Genome Aggregation Database (gnomAD). Alterations that disrupt the canonical splice site are expected to cause aberrant splicing, resulting in an abnormal protein. As such, this alteration is classified as likely pathogenic.

Literature cited by the submitters: PubMed 18041031 (cited by Labcorp Genetics (formerly Invitae), Labcorp); PubMed 24232412 (cited by Labcorp Genetics (formerly Invitae), Labcorp); PubMed 29618358 (cited by Labcorp Genetics (formerly Invitae), Labcorp); PubMed 30530636 (cited by Labcorp Genetics (formerly Invitae), Labcorp).

NM_001042492.3(NF1):c.1261-1G>A

Gene: NF1 (neurofibromin 1; plus strand). Cytogenetic location: 17q11.2.
Variant type: single nucleotide variant.
Coding change: c.1261-1G>A on transcript NM_001042492.3 (MANE Select); the canonical splice acceptor site of the intron before coding-DNA position 1261, G replaced by A.
Molecular consequence: splice acceptor variant.
Genome position (GRCh38, 1-based): chr17:31,206,239, G>A. VCF-style: chr17-31206239-G-A. GRCh37 (hg19) VCF-style: chr17-29533257-G-A.
Other names: c.1261-1G>A (NM_000267.4, NM_001128147.3).
Identifiers: ClinVar variation 1073144 (VCV001073144.7), dbSNP rs2066618707, ClinGen allele CA398999046.
Genomic context (GRCh38, chr17:31,206,239, plus strand): 5'-AGAGCATACAACTCACGTAATTTTGTACTTTTTCTTCCTATTGGTCTTTGTTTTTCTCTA[G>A]TCCGCATTGGATTGGTGGCCTAAGATTGATGCTGTGTATTGTCACTCGGTTGAACTTCGA-3'